The following is an entry in ClinVar:

NM_000814.6(GABRB3):c.154C>G (p.Leu52Val)

Gene: GABRB3 (gamma-aminobutyric acid type A receptor subunit beta3; minus strand). Cytogenetic location: 15q12.
Variant type: single nucleotide variant.
Coding change: c.154C>G on transcript NM_000814.6 (MANE Select); coding-DNA position 154, C replaced by G.
Protein change: p.Leu52Val; replaces leucine 52 with valine.
Molecular consequence: missense variant. On other transcripts: 5 prime UTR variant (1).
Genome position (GRCh38, 1-based): chr15:26,772,699, G>C on the plus strand (C>G on the coding strand, the complement: GABRB3 is on the minus strand). VCF-style: chr15-26772699-G-C. GRCh37 (hg19) VCF-style: chr15-27017846-G-C.
Other names: c.-198C>G (NM_001278631.2); c.154C>G, p.Leu52Val (NM_021912.5); short protein forms L52V.
Identifiers: ClinVar variation 2098861 (VCV002098861.5), dbSNP rs1057524415, ClinGen allele CA391465367.

ClinVar aggregate classification (germline): Pathogenic/Likely pathogenic. Review status: criteria provided, multiple submitters, no conflicts (2 of 4 stars). 2 submissions from 2 submitters: Pathogenic (1); Likely pathogenic (1). Last evaluated 2022-06-27.

Conditions:
Developmental and epileptic encephalopathy, 43 (DEE43). Also called: Epileptic encephalopathy, early infantile, 43. Identifiers: MedGen C4310712, MONDO:0014921, OMIM 617113.
Epilepsy, childhood absence, susceptibility to, 1. Also called: Epilepsy, childhood absence 1. Identifiers: Orphanet 64280, MedGen C1838604, MONDO:0020759, OMIM 600131.
Epilepsy, childhood absence, susceptibility to, 5. Identifiers: Orphanet 64280, MedGen C2677087, MONDO:0012843, OMIM 612269.

Submissions (2):

Baylor Genetics
Classification: Likely pathogenic for Developmental and epileptic encephalopathy, 43. Last evaluated: 2022-06-27. Review status: criteria provided, single submitter. Criteria: ACMG Guidelines, 2015. Collection method: clinical testing. Allele origin: unknown.

Labcorp Genetics (formerly Invitae), Labcorp
Classification: Pathogenic for Epilepsy, childhood absence, susceptibility to, 5; Epilepsy, childhood absence, susceptibility to, 1. Last evaluated: 2022-05-12. Review status: criteria provided, single submitter. Criteria: Invitae Variant Classification Sherloc (09022015). Collection method: clinical testing. Allele origin: germline.
Comment: For these reasons, this variant has been classified as Pathogenic. Algorithms developed to predict the effect of sequence changes on RNA splicing suggest that this variant may create or strengthen a splice site. Advanced modeling of protein sequence and biophysical properties (such as structural, functional, and spatial information, amino acid conservation, physicochemical variation, residue mobility, and thermodynamic stability) performed at Invitae indicates that this missense variant is expected to disrupt GABRB3 protein function. This missense change has been observed in individual(s) with GABRB3-related conditions (PMID: 33287870). In at least one individual the variant was observed to be de novo. This variant is not present in population databases (gnomAD no frequency). This sequence change replaces leucine, which is neutral and non-polar, with valine, which is neutral and non-polar, at codon 52 of the GABRB3 protein (p.Leu52Val).

Literature cited by the submitters: PubMed 33287870 (cited by Labcorp Genetics (formerly Invitae), Labcorp).